The following is an entry in ClinVar:

NM_000051.4(ATM):c.4143dup (p.Pro1382fs)

Gene: ATM (ATM serine/threonine kinase; plus strand). Cytogenetic location: 11q22.3.
Variant type: Duplication.
Coding change: c.4143dup on transcript NM_000051.4 (MANE Select); coding-DNA position 4143, one base duplicated (T; older notation c.4143dupT).
Protein change: p.Pro1382fs; shifts the reading frame from proline 1382.
Molecular consequence: frameshift variant.
Genome position (GRCh38, 1-based): chr11:108,289,010, T duplicated; the last of 4 consecutive T bases (chr11:108,289,007-108,289,010); duplicating any one gives the same sequence. VCF-style (leftmost placement, unchanged base first): chr11-108289006-A-AT. GRCh37 (hg19) VCF-style: chr11-108159733-A-AT.
Other names: c.4143dupT (NM_000051.3); c.4143dup, p.Pro1382fs (NM_001351834.2); short protein forms P1382fs.
Identifiers: ClinVar variation 181880 (VCV000181880.38), dbSNP rs730881309, ClinGen allele CA298026.

ClinVar aggregate classification (germline): Pathogenic. Review status: criteria provided, multiple submitters, no conflicts (2 of 4 stars). 11 submissions from 11 submitters: Pathogenic (11). Last evaluated 2026-01-12.

Conditions:
Ataxia-telangiectasia syndrome (AT). Also called: LOUIS-BAR SYNDROME; Ataxia-telangiectasia, complementation group D; Ataxia telangiectasia (A-T); AT, COMPLEMENTATION GROUP C; ATAXIA-TELANGIECTASIA, COMPLEMENTATION GROUP A; ATAXIA-TELANGIECTASIA, FRESNO VARIANT. Identifiers: Orphanet 100, MedGen C0004135, MONDO:0008840, OMIM 208900.
Familial cancer of breast. Also called: hereditary breast carcinoma; BREAST CANCER, FAMILIAL; Hereditary breast cancer. Identifiers: Orphanet 227535, MedGen C0346153, MONDO:0016419, OMIM 114480. Disease mechanism: loss of function.
Hereditary cancer-predisposing syndrome. Also called: Tumor predisposition; Neoplastic Syndromes, Hereditary; Hereditary Cancer Syndrome; Hereditary neoplastic syndrome. Identifiers: Orphanet 140162, MedGen C0027672, MeSH D009386, MONDO:0015356.

Submissions (11):

Natera, Inc.
Classification: Pathogenic for Ataxia-telangiectasia. Last evaluated: 2026-01-12. Review status: criteria provided, single submitter. Criteria: Natera Variant Classification Schema (03/2026). Collection method: clinical testing. Allele origin: germline.
Comment: The c.4143dupT variant in ATM is a frameshift variant predicted to shift the reading frame beginning at codon 1382 and leads to a stop codon 6 codons downstream. This variant is expected to result in nonsense mediated decay, truncation, or a dysfunctional protein product. This variant is rare in the general population with a frequency below the threshold expected for the associated phenotype(s). This variant has been observed in one or more individuals affected with the associated recessive disease, as either homozygous or compound heterozygous with a second variant (PMID: 21833744). Given the available evidence, this variant is classified as Pathogenic.

CeGaT Center for Human Genetics Tuebingen
Classification: Pathogenic. Last evaluated: 2025-06-01. Review status: criteria provided, single submitter. Criteria: CeGaT Center For Human Genetics Tuebingen Variant Classification Criteria Version 2. Collection method: clinical testing. Allele origin: germline. Affected: yes. Observed: 2 variant alleles.
Comment: ATM: PVS1, PM3:Strong, PM2

Labcorp Genetics (formerly Invitae), Labcorp
Classification: Pathogenic for Ataxia-telangiectasia syndrome. Last evaluated: 2025-05-25. Review status: criteria provided, single submitter. Criteria: Invitae Variant Classification Sherloc (09022015). Collection method: clinical testing. Allele origin: germline.
Comment: This sequence change creates a premature translational stop signal (p.Pro1382Serfs*6) in the ATM gene. It is expected to result in an absent or disrupted protein product. Loss-of-function variants in ATM are known to be pathogenic (PMID: 23807571, 25614872). This variant is not present in population databases (gnomAD no frequency). This premature translational stop signal has been observed in individuals with ataxia-telangiectasia, and pancreatic cancer (PMID: 9887333, 21833744, 26681312). This variant is also known as c.4143_4144insT (p.Ser1381fsX5). ClinVar contains an entry for this variant (Variation ID: 181880). For these reasons, this variant has been classified as Pathogenic.

Ambry Genetics
Classification: Pathogenic for Hereditary cancer-predisposing syndrome. Last evaluated: 2025-04-02. Review status: criteria provided, single submitter. Criteria: Ambry Variant Classification Scheme 2023. Collection method: clinical testing. Allele origin: germline.
Comment: The c.4143dupT pathogenic mutation, located in coding exon 27 of the ATM gene, results from a duplication of T at nucleotide position 4143, causing a translational frameshift with a predicted alternate stop codon (p.P1382Sfs*6). This alteration was first reported in conjunction with a second truncating mutation in a patient with ataxia telangiectasia (Sandoval N et al. Hum. Mol. Genet. 1999 Jan; 8(1):69-79). This alteration was also identified an individual with pancreatic cancer who was referred for evaluation by an NGS hereditary cancer panel (Susswein LR et al. Genet. Med. 2016 08;18(8):823-32). This variant is considered to be rare based on population cohorts in the Genome Aggregation Database (gnomAD). In addition to the clinical data presented in the literature, this alteration is expected to result in loss of function by premature protein truncation or nonsense-mediated mRNA decay. As such, this alteration is interpreted as a disease-causing mutation.

Fulgent Genetics
Classification: Pathogenic for Familial cancer of breast; Ataxia-telangiectasia syndrome. Last evaluated: 2024-01-23. Review status: criteria provided, single submitter. Criteria: ACMG Guidelines, 2015. Collection method: clinical testing. Allele origin: germline.

Myriad Genetics, Inc.
Classification: Pathogenic for Familial cancer of breast. Last evaluated: 2024-01-23. Review status: criteria provided, single submitter. Criteria: Myriad Autosomal Dominant, Autosomal Recessive and X-Linked Classification Criteria (2023). Collection method: clinical testing. Allele origin: unknown.
Comment: This variant is considered pathogenic. This variant creates a frameshift predicted to result in premature protein truncation.

Baylor Genetics
Classification: Pathogenic for Familial cancer of breast. Last evaluated: 2023-10-17. Review status: criteria provided, single submitter. Criteria: ACMG Guidelines, 2015. Collection method: clinical testing. Allele origin: unknown.

GeneDx
Classification: Pathogenic. Last evaluated: 2023-08-08. Review status: criteria provided, single submitter. Criteria: GeneDx Variant Classification Process June 2021. Collection method: clinical testing. Allele origin: germline. Affected: yes.
Comment: Frameshift variant predicted to result in protein truncation or nonsense mediated decay in a gene for which loss-of-function is a known mechanism of disease; Observed in individual(s) with a personal and/or family history of ATM-related cancers (Barnes et al., 2018); Truncating variants in this gene are considered pathogenic by a well-established clinical consortium and/or database; Not observed at significant frequency in large population cohorts (gnomAD); This variant is associated with the following publications: (PMID: 28152038, 9887333, 12552559, 26681312, 21665257, 29101607, 21833744)

ARUP Laboratories, Molecular Genetics and Genomics, ARUP Laboratories
Classification: Pathogenic. Last evaluated: 2023-05-03. Review status: criteria provided, single submitter. Criteria: ARUP Molecular Germline Variant Investigation Process 2024. Collection method: clinical testing. Allele origin: germline.
Comment: The ATM c.4143dup; p.Pro1382SerfsTer6 variant (rs730881309) is reported in the literature in heterozygous, compound heterozygous, and homozygous individuals affected with ataxia-telangiectasia and various hereditary cancers (Barnes 2018, Micol 2011, Sandoval 1999, Soukupova 2011, Susswein 2016). This variant is also reported in ClinVar (Variation ID: 181880) and is absent from the Genome Aggregation Database, indicating it is not a common polymorphism. This variant causes a frameshift by inserting a single nucleotide, so it is predicted to result in a truncated protein or mRNA subject to nonsense-mediated decay. Based on available information, this variant is considered to be pathogenic. References: Barnes CA et al. Development of a high risk pancreatic screening clinic using 3.0 T MRI. Fam Cancer. 2018 Jan;17(1):101-111. PMID: 29101607. Micol R et al. Morbidity and mortality from ataxia-telangiectasia are associated with ATM genotype. J Allergy Clin Immunol. 2011 Aug;128(2):382-9.e1. PMID: 21665257. Sandoval N et al. Characterization of ATM gene mutations in 66 ataxia telangiectasia families. Hum Mol Genet. 1999 Jan;8(1):69-79. PMID: 9887333. Soukupova J et al. Characterisation of ATM mutations in Slavic Ataxia telangiectasia patients. Neuromolecular Med. 2011 Sep;13(3):204-11. PMID: 21833744. Susswein LR et al. Pathogenic and likely pathogenic variant prevalence among the first 10,000 patients referred for next-generation cancer panel testing. Genet Med. 2016 Aug;18(8):823-32. PMID: 26681312.

Color Diagnostics, LLC DBA Color Health
Classification: Pathogenic for Hereditary cancer-predisposing syndrome. Last evaluated: 2022-08-15. Review status: criteria provided, single submitter. Criteria: ACMG Guidelines, 2015. Collection method: clinical testing. Allele origin: germline.
Comment: This variant inserts 1 nucleotide in exon 28 of the ATM gene, creating a frameshift and premature translation stop signal. This variant is expected to result in an absent or non-functional protein product. This variant has been reported in the homozygous state or in the compound heterozygous state with an additional pathogenic ATM variant in individuals affected with ataxia telangiectasia (PMID: 9887333, 12552559, 21833744). This variant has also been reported in individuals affected pancreatic cancer and thyroid cancer (PMID: 26681312, 29101607). This variant has not been identified in the general population by the Genome Aggregation Database (gnomAD). Loss of ATM function is a known mechanism of disease. Based on the available evidence, this variant is classified as Pathogenic.

Women's Health and Genetics/Laboratory Corporation of America, LabCorp
Classification: Pathogenic for Ataxia-telangiectasia syndrome. Last evaluated: 2019-09-30. Review status: criteria provided, single submitter. Criteria: LabCorp Variant Classification Summary - May 2015. Collection method: clinical testing. Allele origin: germline.
Comment: Variant summary: ATM c.4143dupT (p.Pro1382SerfsX6) results in a premature termination codon, predicted to cause a truncation of the encoded protein or absence of the protein due to nonsense mediated decay, which are commonly known mechanisms for disease. The variant was absent in 251300 control chromosomes (gnomAD). c.4143dupT has been reported in the literature in individuals (both compound heterozygous and homozygous) affected with Ataxia-Telangiectasia (Sandoval_1999, Buzin_2003, Micol_2011, Micol_2011). The variant was also detected in individuals affected with various cancers (Barnes_2017, Drosos_2017). These data indicate that the variant is likely to be associated with disease. To our knowledge, no experimental evidence demonstrating an impact on protein function has been reported. Four ClinVar submitters (evaluation after 2014) cite the variant as pathogenic. Based on the evidence outlined above, the variant was classified as pathogenic.

Literature cited by the submitters: PubMed 21833744 (cited by 4 submitters); PubMed 23807571 (cited by Labcorp Genetics (formerly Invitae), Labcorp); PubMed 25614872 (cited by Labcorp Genetics (formerly Invitae), Labcorp); PubMed 9887333 (cited by 4 submitters); PubMed 26681312 (cited by Labcorp Genetics (formerly Invitae), Labcorp and Color Diagnostics, LLC DBA Color Health); PubMed 12552559 (cited by Color Diagnostics, LLC DBA Color Health and Women's Health and Genetics/Laboratory Corporation of America, LabCorp); PubMed 29101607 (cited by Color Diagnostics, LLC DBA Color Health and Women's Health and Genetics/Laboratory Corporation of America, LabCorp); PubMed 21665257 (cited by Women's Health and Genetics/Laboratory Corporation of America, LabCorp); PubMed 28894253 (cited by Women's Health and Genetics/Laboratory Corporation of America, LabCorp).